The following is an entry in ClinVar:

NM_080605.4(B3GALT6):c.113A>G (p.Asp38Gly)

Gene: B3GALT6 (beta-1,3-galactosyltransferase 6; plus strand). Cytogenetic location: 1p36.33.
Variant type: single nucleotide variant.
Coding change: c.113A>G on transcript NM_080605.4 (MANE Select); coding-DNA position 113, A replaced by G.
Protein change: p.Asp38Gly; replaces aspartic acid 38 with glycine.
Molecular consequence: missense variant.
Genome position (GRCh38, 1-based): chr1:1,232,391, A>G. VCF-style: chr1-1232391-A-G. GRCh37 (hg19) VCF-style: chr1-1167771-A-G.
Other names: short protein forms D38G.
Identifiers: ClinVar variation 1188779 (VCV001188779.2), dbSNP rs1011531766, ClinGen allele CA10796659.

ClinVar aggregate classification (germline): Uncertain significance (1 of 4 stars; one submission).

Allele frequency attached by ClinVar (database versions not stated): TOPMed below 0.00001.
gnomAD v4.1: 1 of 985,004 alleles (0.0001%); no homozygotes.

Submission:

GeneDx
Classification: Uncertain significance. Last evaluated: 2020-05-15. Review status: criteria provided, single submitter. Criteria: GeneDx Variant Classification Process June 2021. Collection method: clinical testing. Allele origin: germline. Affected: yes.
Comment: Not observed in large population cohorts (Lek et al., 2016); In silico analysis supports that this missense variant does not alter protein structure/function; Has not been previously published as pathogenic or benign to our knowledge